The following is an entry in ClinVar:

ClinVar aggregate classification (germline): Conflicting classifications of pathogenicity. Review status: criteria provided, conflicting classifications (1 of 4 stars). 2 submissions from 2 submitters: Uncertain significance (1); Likely benign (1). Last evaluated 2023-09-18.

Conditions:
CCDC141-related disorder. Also called: CCDC141-related condition.

Allele frequency attached by ClinVar (database versions not stated): ExAC 0.00006; gnomAD 0.00007 and 0.00010; TOPMed 0.00012; gnomAD exomes 0.00015 and 0.00023; 1000 Genomes Project 30x 0.00031; 1000 Genomes Project 0.00040.
gnomAD v4.1: 216 of 1,550,150 alleles (0.014%); highest among the groups gnomAD compares: East Asian, 0.51%; 1 homozygote.

Submissions (2):

PreventionGenetics, part of Exact Sciences
Classification: Uncertain significance for CCDC141-related condition. Last evaluated: 2023-09-18. Review status: criteria provided, single submitter. Criteria: ACMG Guidelines, 2015. Collection method: clinical testing. Allele origin: germline.
Comment: The CCDC141 c.1225C>T variant is predicted to result in premature protein termination (p.Gln409*). This variant has been reported in three individuals with hypogonadotropic hypogonadism or Kallmann syndrome; however, at least two of them also carry variants in other genes (Hou et al 2020. PubMed ID: 32520725). This variant is reported in 0.28% of alleles in individuals of East Asian descent in gnomAD including 1 homozygote. At this time, the clinical significance of this variant is uncertain due to the absence of conclusive functional and genetic evidence.

Labcorp Genetics (formerly Invitae), Labcorp
Classification: Likely benign. Last evaluated: 2018-10-01. Review status: criteria provided, single submitter. Criteria: Invitae Variant Classification Sherloc (09022015). Collection method: clinical testing. Allele origin: germline.

NM_173648.4(CCDC141):c.1225C>T (p.Gln409Ter)

Gene: CCDC141 (coiled-coil domain containing 141; minus strand). Cytogenetic location: 2q31.2.
Variant type: single nucleotide variant.
Coding change: c.1225C>T on transcript NM_173648.4 (MANE Select); coding-DNA position 1225, C replaced by T.
Protein change: p.Gln409Ter; replaces glutamine 409 with a stop codon.
Molecular consequence: nonsense.
Genome position (GRCh38, 1-based): chr2:178,905,369, G>A on the plus strand (C>T on the coding strand, the complement: CCDC141 is on the minus strand). VCF-style: chr2-178905369-G-A. GRCh37 (hg19) VCF-style: chr2-179770096-G-A.
Other names: c.1225C>T, p.Gln409Ter (NM_001316745.2); short protein forms Q409*.
Identifiers: ClinVar variation 739847 (VCV000739847.4), dbSNP rs143025382, ClinGen allele CA2007270.